The following is an entry in ClinVar:

NM_174936.4(PCSK9):c.844C>A (p.Pro282Thr)

Gene: PCSK9 (proprotein convertase subtilisin/kexin type 9; plus strand). Cytogenetic location: 1p32.3.
Variant type: single nucleotide variant.
Coding change: c.844C>A on transcript NM_174936.4 (MANE Select); coding-DNA position 844, C replaced by A.
Protein change: p.Pro282Thr; replaces proline 282 with threonine.
Molecular consequence: missense variant.
Genome position (GRCh38, 1-based): chr1:55,056,037, C>A. VCF-style: chr1-55056037-C-A. GRCh37 (hg19) VCF-style: chr1-55521710-C-A.
Other names: c.967C>A, p.Pro323Thr (NM_001407240.1); c.844C>A, p.Pro282Thr (NM_001407241.1, NM_001407244.1, NM_001407247.1); c.847C>A, p.Pro283Thr (NM_001407242.1); c.787C>A, p.Pro263Thr (NM_001407243.1); c.652C>A, p.Pro218Thr (NM_001407245.1); c.469C>A, p.Pro157Thr (NM_001407246.1); short protein forms P282T, P157T, P218T, P263T, P283T, P323T.
Identifiers: ClinVar variation 1171232 (VCV001171232.5), dbSNP rs758526036, ClinGen allele CA340474454.

ClinVar aggregate classification (germline): Uncertain significance. Review status: criteria provided, multiple submitters, no conflicts (2 of 4 stars). 2 submissions from 2 submitters: Uncertain significance (2). Last evaluated 2024-06-14.

Conditions:
Familial hypercholesterolemia. Also called: Familial hypercholesterolaemia; Familial hypercholesterolemias. Identifiers: MedGen C0020445, MONDO:0005439.

Submissions (2):

Blueprint Genetics
Classification: Uncertain significance. Last evaluated: 2024-06-14. Review status: criteria provided, single submitter. Criteria: ACMG Guidelines, 2015. Collection method: clinical testing. Allele origin: germline.

Color Diagnostics, LLC DBA Color Health
Classification: Uncertain significance for Familial hypercholesterolemia. Last evaluated: 2024-03-07. Review status: criteria provided, single submitter. Criteria: ACMG Guidelines, 2015. Collection method: clinical testing. Allele origin: germline.
Comment: This missense variant replaces proline with threonine at codon 282 of the PCSK9 protein. Computational prediction suggests that this variant may not impact protein structure and function (internally defined REVEL score threshold <= 0.5, PMID: 27666373). To our knowledge, functional studies have not been reported for this variant. This variant has not been reported in individuals affected with familial hypercholesterolemia in the literature. This variant has not been identified in the general population by the Genome Aggregation Database (gnomAD). The available evidence is insufficient to determine the role of this variant in disease conclusively. Therefore, this variant is classified as a Variant of Uncertain Significance.